The following is an entry in ClinVar:

ClinVar aggregate classification (germline): Uncertain significance. Review status: criteria provided, multiple submitters, no conflicts (2 of 4 stars). 2 submissions from 2 submitters: Uncertain significance (2). Last evaluated 2024-05-23.

Conditions:
Dystonia 5 (DRD). Also called: DYT-GCH1; DYSTONIA, PROGRESSIVE, WITH DIURNAL VARIATION; DYSTONIA-PARKINSONISM WITH DIURNAL FLUCTUATION; Dystonia, DOPA-responsive, with or without hyperphenylalaninemia; GTP Cyclohydrolase 1-Deficient Dopa-Responsive Dystonia. Identifiers: Orphanet 98808, MedGen C1851920, MONDO:0007495, OMIM 128230.
GTP cyclohydrolase I deficiency. Identifiers: MedGen C0268467, MONDO:0100184.

gnomAD v4.1: 3 of 1,598,982 alleles (0.00019%); highest among the groups gnomAD compares: South Asian, 0.0034%; no homozygotes.

Submissions (2):

Labcorp Genetics (formerly Invitae), Labcorp
Classification: Uncertain significance for GTP cyclohydrolase I deficiency; Dystonia 5. Last evaluated: 2024-05-23. Review status: criteria provided, single submitter. Criteria: Invitae Variant Classification Sherloc (09022015). Collection method: clinical testing. Allele origin: germline.
Comment: This sequence change replaces glycine, which is neutral and non-polar, with arginine, which is basic and polar, at codon 52 of the GCH1 protein (p.Gly52Arg). This variant is not present in population databases (gnomAD no frequency). This variant has not been reported in the literature in individuals affected with GCH1-related conditions. Advanced modeling of protein sequence and biophysical properties (such as structural, functional, and spatial information, amino acid conservation, physicochemical variation, residue mobility, and thermodynamic stability) performed at Invitae indicates that this missense variant is not expected to disrupt GCH1 protein function with a negative predictive value of 95%. In summary, the available evidence is currently insufficient to determine the role of this variant in disease. Therefore, it has been classified as a Variant of Uncertain Significance.

GeneDx
Classification: Uncertain significance. Last evaluated: 2023-12-13. Review status: criteria provided, single submitter. Criteria: GeneDx Variant Classification Process June 2021. Collection method: clinical testing. Allele origin: germline. Affected: yes.
Comment: Not observed at significant frequency in large population cohorts (gnomAD); In silico analysis supports that this missense variant does not alter protein structure/function; Has not been previously published as pathogenic or benign to our knowledge

NM_000161.3(GCH1):c.154G>C (p.Gly52Arg)

Gene: GCH1 (GTP cyclohydrolase 1; minus strand). Cytogenetic location: 14q22.2.
Variant type: single nucleotide variant.
Coding change: c.154G>C on transcript NM_000161.3 (MANE Select); coding-DNA position 154, G replaced by C.
Protein change: p.Gly52Arg; replaces glycine 52 with arginine.
Molecular consequence: missense variant.
Genome position (GRCh38, 1-based): chr14:54,902,510, C>G on the plus strand (G>C on the coding strand, the complement: GCH1 is on the minus strand). VCF-style: chr14-54902510-C-G. GRCh37 (hg19) VCF-style: chr14-55369228-C-G.
Other names: c.154G>C, p.Gly52Arg (NM_001024024.2, NM_001024070.2, NM_001024071.2 and 1 more transcripts); short protein forms G52R.
Identifiers: ClinVar variation 3365781 (VCV003365781.3).